The following is an entry in ClinVar:

NM_001267550.2(TTN):c.31227T>G (p.Val10409=)

Gene: TTN (titin; minus strand). Cytogenetic location: 2q31.2.
Variant type: single nucleotide variant.
Coding change: c.31227T>G on transcript NM_001267550.2 (MANE Select); coding-DNA position 31227, T replaced by G.
Protein change: p.Val10409=; no amino-acid change (valine 10409 retained).
Molecular consequence: synonymous variant. On other transcripts: intron variant (3).
Genome position (GRCh38, 1-based): chr2:178,695,391, A>C on the plus strand (T>G on the coding strand, the complement: TTN is on the minus strand). VCF-style: chr2-178695391-A-C. GRCh37 (hg19) VCF-style: chr2-179560118-A-C.
Other names: c.30276T>G, p.Val10092= (NM_001256850.1); c.27495T>G, p.Val9165= (NM_133378.4); c.13282+42691T>G (NM_003319.4); c.13858+42691T>G (NM_133437.4); c.13657+42691T>G (NM_133432.3).
Identifiers: ClinVar variation 413193 (VCV000413193.46), dbSNP rs748539440, ClinGen allele CA1999012.

ClinVar aggregate classification (germline): Benign/Likely benign. Review status: criteria provided, multiple submitters, no conflicts (2 of 4 stars). 10 submissions from 7 submitters: Benign (5); Likely benign (3). 2 of the submissions do not count toward it. Last evaluated 2026-08-01.

Conditions:
Early-onset myopathy with fatal cardiomyopathy (CMYO5). Also called: CONGENITAL MYOPATHY 5 WITH CARDIOMYOPATHY; Salih Myopathy. Identifiers: Orphanet 289377, MedGen C2673677, MONDO:0012714, OMIM 611705. Disease mechanism: loss of function.
Myopathy, myofibrillar, 9, with early respiratory failure (MFM9). Also called: Hereditary myopathy with early respiratory failure; Myopathy, distal, with early respiratory failure, autosomal dominant; EDSTROM MYOPATHY; MYOPATHY, PROXIMAL, WITH EARLY RESPIRATORY MUSCLE INVOLVEMENT. Identifiers: Orphanet 178464, Orphanet 34521, MedGen C1863599, MONDO:0011362, OMIM 603689.
Autosomal recessive limb-girdle muscular dystrophy type 2J (LGMDR10). Also called: Limb-girdle muscular dystrophy, type 2J; MUSCULAR DYSTROPHY, LIMB-GIRDLE, AUTOSOMAL RECESSIVE 10. Identifiers: Orphanet 140922, MedGen C1837342, MONDO:0012127, OMIM 608807.
Dilated cardiomyopathy 1G (CMD1G). Identifiers: Orphanet 154, MedGen C1858763, MONDO:0011400, OMIM 604145.
Tibial muscular dystrophy (TMD). Also called: Tibial muscular dystrophy, tardive; Udd Distal Myopathy – Tibial Muscular Dystrophy; UDD MYOPATHY. Identifiers: Orphanet 609, MedGen C1838244, MONDO:0010870, OMIM 600334.

Allele frequency attached by ClinVar (database versions not stated): ExAC 0.00004; gnomAD exomes 0.00004 and 0.00006; gnomAD 0.00005; TOPMed 0.00010.
gnomAD v4.1: 72 of 1,612,348 alleles (0.0045%); highest among the groups gnomAD compares: Middle Eastern, 0.05%; no homozygotes.

Submissions (10):

CeGaT Center for Human Genetics Tuebingen
Classification: Likely benign. Last evaluated: 2026-08-01. Review status: criteria provided, single submitter. Criteria: CeGaT Center For Human Genetics Tuebingen Variant Classification Criteria Version 2. Collection method: clinical testing. Allele origin: germline. Affected: yes. Observed: 7 variant alleles.
Comment: TTN: BP4, BP7

Labcorp Genetics (formerly Invitae), Labcorp
Classification: Likely benign for Dilated cardiomyopathy 1G; Autosomal recessive limb-girdle muscular dystrophy type 2J. Last evaluated: 2026-01-27. Review status: criteria provided, single submitter. Criteria: Invitae Variant Classification Sherloc (09022015). Collection method: clinical testing. Allele origin: germline.

Women's Health and Genetics/Laboratory Corporation of America, LabCorp
Classification: Likely benign. Last evaluated: 2025-09-04. Review status: criteria provided, single submitter. Criteria: LabCorp Variant Classification Summary - May 2015. Collection method: clinical testing. Allele origin: germline.

Genome-Nilou Lab
Classification: Benign for Autosomal recessive limb-girdle muscular dystrophy type 2J. Last evaluated: 2021-09-10. Review status: criteria provided, single submitter. Criteria: ACMG Guidelines, 2015. Collection method: clinical testing. Allele origin: germline. Affected: no.

Genome-Nilou Lab
Classification: Benign for Myopathy, myofibrillar, 9, with early respiratory failure. Last evaluated: 2021-09-10. Review status: criteria provided, single submitter. Criteria: ACMG Guidelines, 2015. Collection method: clinical testing. Allele origin: germline. Affected: no.

Genome-Nilou Lab
Classification: Benign for Early-onset myopathy with fatal cardiomyopathy. Last evaluated: 2021-09-10. Review status: criteria provided, single submitter. Criteria: ACMG Guidelines, 2015. Collection method: clinical testing. Allele origin: germline. Affected: no.

Genome-Nilou Lab
Classification: Benign for Tibial muscular dystrophy. Last evaluated: 2021-09-10. Review status: criteria provided, single submitter. Criteria: ACMG Guidelines, 2015. Collection method: clinical testing. Allele origin: germline. Affected: no.

GeneDx
Classification: Benign. Last evaluated: 2015-09-21. Review status: criteria provided, single submitter. Criteria: GeneDx Variant Classification Process June 2021. Collection method: clinical testing. Allele origin: germline. Affected: yes.

Clinical Genetics, Academic Medical Center
Classification: Benign. Review status: no assertion criteria provided. Collection method: clinical testing. Allele origin: germline. Affected: yes. Study: VKGL Data-share Consensus. Not counted in ClinVar's aggregate classification.

Joint Genome Diagnostic Labs from Nijmegen and Maastricht, Radboudumc and MUMC+
Classification: Likely benign. Review status: no assertion criteria provided. Collection method: clinical testing. Allele origin: germline. Affected: yes. Study: VKGL Data-share Consensus. Not counted in ClinVar's aggregate classification.